The following is an entry in ClinVar:

ClinVar aggregate classification (germline): Uncertain significance (1 of 4 stars; one submission).

Allele frequency attached by ClinVar (database versions not stated): gnomAD exomes below 0.00001.

Submission:

Labcorp Genetics (formerly Invitae), Labcorp
Classification: Uncertain significance. Last evaluated: 2025-03-04. Review status: criteria provided, single submitter. Criteria: Invitae Variant Classification Sherloc (09022015). Collection method: clinical testing. Allele origin: germline.
Comment: This sequence change affects the initiator methionine of the PDZD7 mRNA. The next in-frame methionine is located at codon 64. The frequency data for this variant in the population databases is considered unreliable, as metrics indicate poor data quality at this position in the gnomAD database. This variant has not been reported in the literature in individuals affected with PDZD7-related conditions. ClinVar contains an entry for this variant (Variation ID: 1368929). Experimental studies and prediction algorithms are not available or were not evaluated, and the functional significance of this variant is currently unknown. In summary, the available evidence is currently insufficient to determine the role of this variant in disease. Therefore, it has been classified as a Variant of Uncertain Significance.

NM_001195263.2(PDZD7):c.1A>G (p.Met1Val)

Gene: PDZD7 (PDZ domain containing 7; minus strand). Cytogenetic location: 10q24.31.
Variant type: single nucleotide variant.
Coding change: c.1A>G on transcript NM_001195263.2 (MANE Select); coding-DNA position 1, A replaced by G.
Protein change: p.Met1Val; changes the start codon (methionine 1).
Molecular consequence: missense variant, initiator codon variant.
Genome position (GRCh38, 1-based): chr10:101,030,219, T>C on the plus strand (A>G on the coding strand, the complement: PDZD7 is on the minus strand). VCF-style: chr10-101030219-T-C. GRCh37 (hg19) VCF-style: chr10-102789976-T-C.
Other names: c.1A>G, p.Met1Val (NM_001351044.2, NM_024895.5); short protein forms M1V.
Identifiers: ClinVar variation 1368929 (VCV001368929.6), dbSNP rs1162280454, ClinGen allele CA378231582.
Genomic context (GRCh38, chr10:101,030,219, plus strand): 5'-AGCCGGAGCTCAGGTCTCCTAGGCCCAGTGGGTCGAAGCCCACTGCGAAACCCTGCGCCA[T>C]GGCGGCTGGGCTAGGGCGGCACCCTACAGGTCCAGAAGGAATCTGCTAGCTCTGGAGAGG-3'
Protein context (NP_001182192.1, residues 1-11): [Met1Val]AQGFAVGFDP